The following is an entry in ClinVar:

NM_003924.4(PHOX2B):c.483A>G (p.Ala161=)

Gene: PHOX2B (paired like homeobox 2B; minus strand). Cytogenetic location: 4p13.
Variant type: single nucleotide variant.
Coding change: c.483A>G on transcript NM_003924.4 (MANE Select); coding-DNA position 483, A replaced by G.
Protein change: p.Ala161=; no amino-acid change (alanine 161 retained).
Molecular consequence: synonymous variant.
Genome position (GRCh38, 1-based): chr4:41,746,269, T>C on the plus strand (A>G on the coding strand, the complement: PHOX2B is on the minus strand). VCF-style: chr4-41746269-T-C. GRCh37 (hg19) VCF-style: chr4-41748286-T-C.
Identifiers: ClinVar variation 4084801 (VCV004084801.8).

ClinVar aggregate classification (germline): Likely benign (1 of 4 stars; one submission).

Submission:

CeGaT Center for Human Genetics Tuebingen
Classification: Likely benign. Last evaluated: 2025-08-01. Review status: criteria provided, single submitter. Criteria: CeGaT Center For Human Genetics Tuebingen Variant Classification Criteria Version 2. Collection method: clinical testing. Allele origin: germline. Affected: yes. Observed: 1 variant allele.
Comment: PHOX2B: PM2:Supporting, BP4, BP7